The following is an entry in ClinVar:

ClinVar aggregate classification (germline): Uncertain significance. Review status: criteria provided, multiple submitters, no conflicts (2 of 4 stars). 2 submissions from 2 submitters: Uncertain significance (2). Last evaluated 2026-01-25.

Conditions:
Cardiovascular phenotype. Identifiers: MedGen CN230736.
Dilated cardiomyopathy 1JJ (CMD1JJ). Identifiers: Orphanet 154, MedGen C3808935, MONDO:0014095, OMIM 615235.

Allele frequency attached by ClinVar (database versions not stated): ExAC 0.00002; gnomAD 0.00005; TOPMed 0.00005.
gnomAD v4.1: 22 of 1,613,846 alleles (0.0014%); highest among the groups gnomAD compares: African/African-American, 0.012%; no homozygotes.

Submissions (2):

Labcorp Genetics (formerly Invitae), Labcorp
Classification: Uncertain significance for Dilated cardiomyopathy 1JJ. Last evaluated: 2026-01-25. Review status: criteria provided, single submitter. Criteria: Invitae Variant Classification Sherloc (09022015). Collection method: clinical testing. Allele origin: germline.
Comment: This sequence change replaces arginine, which is basic and polar, with histidine, which is basic and polar, at codon 793 of the LAMA4 protein (p.Arg793His). This variant is present in population databases (rs781955013, gnomAD 0.02%). This variant has not been reported in the literature in individuals affected with LAMA4-related conditions. ClinVar contains an entry for this variant (Variation ID: 1790388). Invitae Evidence Modeling of protein sequence and biophysical properties (such as structural, functional, and spatial information, amino acid conservation, physicochemical variation, residue mobility, and thermodynamic stability) indicates that this missense variant is expected to disrupt LAMA4 protein function with a positive predictive value of 80%. In summary, the available evidence is currently insufficient to determine the role of this variant in disease. Therefore, it has been classified as a Variant of Uncertain Significance.

Ambry Genetics
Classification: Uncertain significance for Cardiovascular phenotype. Last evaluated: 2025-08-27. Review status: criteria provided, single submitter. Criteria: Ambry Variant Classification Scheme 2023. Collection method: clinical testing. Allele origin: germline.

NM_001105206.3(LAMA4):c.2399G>A (p.Arg800His)

Gene: LAMA4 (laminin subunit alpha 4; minus strand). Cytogenetic location: 6q21.
Variant type: single nucleotide variant.
Coding change: c.2399G>A on transcript NM_001105206.3 (MANE Select); coding-DNA position 2399, G replaced by A.
Protein change: p.Arg800His; replaces arginine 800 with histidine.
Molecular consequence: missense variant.
Genome position (GRCh38, 1-based): chr6:112,144,888, C>T on the plus strand (G>A on the coding strand, the complement: LAMA4 is on the minus strand). VCF-style: chr6-112144888-C-T. GRCh37 (hg19) VCF-style: chr6-112466090-C-T.
Other names: c.2378G>A, p.Arg793His (NM_001105207.3, NM_002290.5); short protein forms R793H, R800H.
Identifiers: ClinVar variation 1790388 (VCV001790388.9), dbSNP rs781955013, ClinGen allele CA3965488.